The following is an entry in ClinVar:

NM_000521.4(HEXB):c.109G>T (p.Val37Leu)

Gene: HEXB (hexosaminidase subunit beta; plus strand). Cytogenetic location: 5q13.3.
Variant type: single nucleotide variant.
Coding change: c.109G>T on transcript NM_000521.4 (MANE Select); coding-DNA position 109, G replaced by T.
Protein change: p.Val37Leu; replaces valine 37 with leucine.
Molecular consequence: missense variant. On other transcripts: intron variant (1).
Genome position (GRCh38, 1-based): chr5:74,685,369, G>T. VCF-style: chr5-74685369-G-T. GRCh37 (hg19) VCF-style: chr5-73981194-G-T.
Other names: c.109G>T (NM_000521.3); c.-376-3959G>T (NM_001292004.2); short protein forms V37L.
Identifiers: ClinVar variation 2991487 (VCV002991487.4), dbSNP rs1346914562, ClinGen allele CA360062154.
Genomic context (GRCh38, chr5:74,685,369, plus strand): 5'-CTGCTGTTGGCGACACTGCTGGCGGCGATGTTGGCGCTGCTGACTCAGGTGGCGCTGGTG[G>T]TGCAGGTGGCGGAGGCGGCTCGGGCCCCGAGCGTCTCGGCCAAGCCGGGGCCGGCGCTGT-3'
Protein context (NP_000512.2, residues 27-47): LALLTQVALV[Val37Leu]QVAEAARAPS

ClinVar aggregate classification (germline): Uncertain significance. Review status: criteria provided, multiple submitters, no conflicts (2 of 4 stars). 2 submissions from 2 submitters: Uncertain significance (2). Last evaluated 2025-08-30.

Conditions:
Sandhoff disease. Also called: GM2-GANGLIOSIDOSIS, TYPE II; HEXOSAMINIDASES A AND B DEFICIENCY; Beta-hexosaminidase-beta-subunit deficiency; GM2 gangliosidosis, type 2; Total hexosaminidase deficiency; Sandhoff-Jatzkewitz-Pilz disease. Identifiers: Orphanet 796, MedGen C0036161, MONDO:0010006, OMIM 268800.
Inborn genetic diseases. Identifiers: MedGen C0950123, MeSH D030342.

Allele frequency attached by ClinVar (database versions not stated): gnomAD exomes below 0.00001.
gnomAD v4.1: 1 of 1,589,630 alleles (0.000063%); highest among the groups gnomAD compares: Admixed American, 0.0018%; no homozygotes.

Submissions (2):

Ambry Genetics
Classification: Uncertain significance for Inborn genetic diseases. Last evaluated: 2025-08-30. Review status: criteria provided, single submitter. Criteria: Ambry Variant Classification Scheme 2023. Collection method: clinical testing. Allele origin: germline.

Labcorp Genetics (formerly Invitae), Labcorp
Classification: Uncertain significance for Sandhoff disease. Last evaluated: 2023-10-11. Review status: criteria provided, single submitter. Criteria: Invitae Variant Classification Sherloc (09022015). Collection method: clinical testing. Allele origin: germline.
Comment: This sequence change replaces valine, which is neutral and non-polar, with leucine, which is neutral and non-polar, at codon 37 of the HEXB protein (p.Val37Leu). The frequency data for this variant in the population databases is considered unreliable, as metrics indicate poor data quality at this position in the gnomAD database. This variant has not been reported in the literature in individuals affected with HEXB-related conditions. Advanced modeling of protein sequence and biophysical properties (such as structural, functional, and spatial information, amino acid conservation, physicochemical variation, residue mobility, and thermodynamic stability) performed at Invitae indicates that this missense variant is not expected to disrupt HEXB protein function. In summary, the available evidence is currently insufficient to determine the role of this variant in disease. Therefore, it has been classified as a Variant of Uncertain Significance.